The following is an entry in ClinVar:

NM_020937.4(FANCM):c.157G>A (p.Asp53Asn)

Gene: FANCM (FA complementation group M; plus strand). Cytogenetic location: 14q21.2.
Variant type: single nucleotide variant.
Coding change: c.157G>A on transcript NM_020937.4 (MANE Select); coding-DNA position 157, G replaced by A.
Protein change: p.Asp53Asn; replaces aspartic acid 53 with asparagine.
Molecular consequence: missense variant.
Genome position (GRCh38, 1-based): chr14:45,136,188, G>A. VCF-style: chr14-45136188-G-A. GRCh37 (hg19) VCF-style: chr14-45605391-G-A.
Other names: c.157G>A, p.Asp53Asn (NM_001308133.2, NM_001308134.2); short protein forms D53N.
Identifiers: ClinVar variation 2200422 (VCV002200422.7), dbSNP rs777713763, ClinGen allele CA7168707.

ClinVar aggregate classification (germline): Uncertain significance. Review status: criteria provided, multiple submitters, no conflicts (2 of 4 stars). 3 submissions from 3 submitters: Uncertain significance (3). Last evaluated 2025-09-28.

Conditions:
Fanconi anemia (FA). Also called: Fanconi's anemia. Identifiers: Orphanet 84, MedGen C0015625, MeSH D005199, MONDO:0019391.
Inborn genetic diseases. Identifiers: MedGen C0950123, MeSH D030342.

Allele frequency attached by ClinVar (database versions not stated): ExAC 0.00001; gnomAD exomes below 0.00001.
gnomAD v4.1: 1 of 1,614,210 alleles (0.000062%); highest among the groups gnomAD compares: Non-Finnish European, 0.000085%; no homozygotes.

Submissions (3):

Ambry Genetics
Classification: Uncertain significance for Inborn genetic diseases. Last evaluated: 2025-09-28. Review status: criteria provided, single submitter. Criteria: Ambry Variant Classification Scheme 2023. Collection method: clinical testing. Allele origin: germline.
Comment: The p.D53N variant (also known as c.157G>A), located in coding exon 1 of the FANCM gene, results from a G to A substitution at nucleotide position 157. The aspartic acid at codon 53 is replaced by asparagine, an amino acid with highly similar properties. This amino acid position is conserved. In addition, this alteration is predicted to be tolerated by in silico analysis. Based on the available evidence, the clinical significance of this variant remains unclear.

Dasa
Classification: Uncertain significance. Last evaluated: 2025-06-18. Review status: criteria provided, single submitter. Criteria: DASA Assertion Criteria. Collection method: clinical testing. Allele origin: germline.
Comment: NM_020937.4(FANCM):c.157G>A (p.Asp53Asn) is a missense variant that results in the substitution of aspartic acid with asparagine. This variant is rare in population databases. Computational prediction algorithms are consistent with a benign effect. The currently available literature and clinical evidence are not sufficient to establish a definitive association between this variant and the reported condition. Therefore, this variant is classified as a variant of uncertain significance.

Labcorp Genetics (formerly Invitae), Labcorp
Classification: Uncertain significance for Fanconi anemia. Last evaluated: 2023-12-06. Review status: criteria provided, single submitter. Criteria: Invitae Variant Classification Sherloc (09022015). Collection method: clinical testing. Allele origin: germline.
Comment: This sequence change replaces aspartic acid, which is acidic and polar, with asparagine, which is neutral and polar, at codon 53 of the FANCM protein (p.Asp53Asn). This variant is present in population databases (rs777713763, gnomAD 0.0009%). This variant has not been reported in the literature in individuals affected with FANCM-related conditions. ClinVar contains an entry for this variant (Variation ID: 2200422). An algorithm developed to predict the effect of missense changes on protein structure and function (PolyPhen-2) suggests that this variant is likely to be disruptive. In summary, the available evidence is currently insufficient to determine the role of this variant in disease. Therefore, it has been classified as a Variant of Uncertain Significance.